The following is an entry in ClinVar:

ClinVar aggregate classification (germline): Uncertain significance (1 of 4 stars; one submission).

Conditions:
Hereditary pancreatitis (PCTT). Also called: Hereditary chronic pancreatitis; PRSS1-Related Hereditary Pancreatitis. Identifiers: Orphanet 676, MedGen C0238339, MONDO:0008185, OMIM 167800.

gnomAD v4.1: 1 of 1,614,202 alleles (0.000062%); highest among the groups gnomAD compares: South Asian, 0.0011%; no homozygotes.

Submission:

Ambry Genetics
Classification: Uncertain significance for Hereditary pancreatitis. Last evaluated: 2026-06-19. Review status: criteria provided, single submitter. Criteria: Ambry Variant Classification Scheme 2023. Collection method: clinical testing. Allele origin: germline.
Comment: The p.P315S variant (also known as c.943C>T), located in coding exon 8 of the CPA1 gene, results from a C to T substitution at nucleotide position 943. The proline at codon 315 is replaced by serine, an amino acid with similar properties. This amino acid position is conserved. In addition, this alteration is predicted to be deleterious by in silico analysis. Based on the available evidence, the clinical significance of this variant remains unclear.

NM_001868.4(CPA1):c.943C>T (p.Pro315Ser)

Gene: CPA1 (carboxypeptidase A1; plus strand). Cytogenetic location: 7q32.2.
Variant type: single nucleotide variant.
Coding change: c.943C>T on transcript NM_001868.4 (MANE Select); coding-DNA position 943, C replaced by T.
Protein change: p.Pro315Ser; replaces proline 315 with serine.
Molecular consequence: missense variant.
Genome position (GRCh38, 1-based): chr7:130,385,301, C>T. VCF-style: chr7-130385301-C-T. GRCh37 (hg19) VCF-style: chr7-130025142-C-T.
Other names: short protein forms P315S.
Identifiers: ClinVar variation 5034898 (VCV005034898.1).
Genomic context (GRCh38, chr7:130,385,301, plus strand): 5'-GACCATGGGAACATCAAGGCCTTCATCTCCATCCACAGCTACTCCCAGCTCCTCATGTAT[C>T]CCTATGGCTACAAAACAGAACCAGTCCCTGACCAGGATGAGCTGGTAGGCACTGACCTCG-3'
Protein context (NP_001859.1, residues 305-325): IHSYSQLLMY[Pro315Ser]YGYKTEPVPD